The following is an entry in ClinVar:

ClinVar aggregate classification (germline): Conflicting classifications of pathogenicity. Review status: criteria provided, conflicting classifications (1 of 4 stars). 8 submissions from 8 submitters: Uncertain significance (6); Likely benign (1). 1 of the submissions does not count toward it. Last evaluated 2025-08-06.

Conditions:
Ataxia-telangiectasia syndrome (AT). Also called: Cerebello-oculocutaneous telangiectasia; Immunodeficiency with ataxia telangiectasia; Ataxia-telangiectasia, complementation group D; AT, COMPLEMENTATION GROUP C; Ataxia-telangiectasia, complementation group E; LOUIS-BAR SYNDROME. Identifiers: Orphanet 100, MedGen C0004135, MONDO:0008840, OMIM 208900.
Familial cancer of breast. Also called: Hereditary breast cancer; hereditary breast carcinoma; BREAST CANCER, FAMILIAL. Identifiers: Orphanet 227535, MedGen C0346153, MONDO:0016419, OMIM 114480. Disease mechanism: loss of function.
Hereditary cancer-predisposing syndrome. Also called: Tumor predisposition; Hereditary Cancer Syndrome; Neoplastic Syndromes, Hereditary; Hereditary neoplastic syndrome. Identifiers: Orphanet 140162, MedGen C0027672, MeSH D009386, MONDO:0015356.

Allele frequency attached by ClinVar (database versions not stated): TOPMed 0.00001.
gnomAD v4.1: 6 of 1,612,924 alleles (0.00037%); highest among the groups gnomAD compares: Admixed American, 0.01%; no homozygotes.

Submissions (8):

Labcorp Genetics (formerly Invitae), Labcorp
Classification: Uncertain significance for Ataxia-telangiectasia syndrome. Last evaluated: 2025-08-06. Review status: criteria provided, single submitter. Criteria: Invitae Variant Classification Sherloc (09022015). Collection method: clinical testing. Allele origin: germline.
Comment: This sequence change replaces serine, which is neutral and polar, with asparagine, which is neutral and polar, at codon 592 of the ATM protein (p.Ser592Asn). This variant is present in population databases (rs776911505, gnomAD 0.01%). This variant has not been reported in the literature in individuals affected with ATM-related conditions. ClinVar contains an entry for this variant (Variation ID: 453381). Invitae Evidence Modeling of protein sequence and biophysical properties (such as structural, functional, and spatial information, amino acid conservation, physicochemical variation, residue mobility, and thermodynamic stability) indicates that this missense variant is not expected to disrupt ATM protein function with a negative predictive value of 95%. In summary, the available evidence is currently insufficient to determine the role of this variant in disease. Therefore, it has been classified as a Variant of Uncertain Significance.

Quest Diagnostics Nichols Institute San Juan Capistrano
Classification: Uncertain significance. Last evaluated: 2025-08-06. Review status: criteria provided, single submitter. Criteria: Quest Diagnostics criteria. Collection method: clinical testing. Allele origin: unknown.

Color Diagnostics, LLC DBA Color Health
Classification: Uncertain significance for Hereditary cancer-predisposing syndrome. Last evaluated: 2024-08-27. Review status: criteria provided, single submitter. Criteria: ACMG Guidelines, 2015. Collection method: clinical testing. Allele origin: germline.
Comment: This missense variant replaces serine with asparagine at codon 592 of the ATM protein. Computational prediction suggests that this variant may not impact protein structure and function. To our knowledge, functional studies have not been reported for this variant. This variant has not been reported in individuals affected with hereditary cancer in the literature. This variant has been identified in 6/250408 chromosomes in the general population by the Genome Aggregation Database (gnomAD). The available evidence is insufficient to determine the role of this variant in disease conclusively. Therefore, this variant is classified as a Variant of Uncertain Significance.

Fulgent Genetics
Classification: Uncertain significance for Familial cancer of breast; Ataxia-telangiectasia syndrome. Last evaluated: 2024-03-26. Review status: criteria provided, single submitter. Criteria: ACMG Guidelines, 2015. Collection method: clinical testing. Allele origin: germline.

Ambry Genetics
Classification: Likely benign for Hereditary cancer-predisposing syndrome. Last evaluated: 2024-03-14. Review status: criteria provided, single submitter. Criteria: Ambry Variant Classification Scheme 2023. Collection method: clinical testing. Allele origin: germline.

Baylor Genetics
Classification: Uncertain significance for Familial cancer of breast. Last evaluated: 2020-08-30. Review status: criteria provided, single submitter. Criteria: ACMG Guidelines, 2015. Collection method: clinical testing. Allele origin: maternal. Affected: yes. Study: CSER-TexasKidsCanSeq.
Comment: This variant was determined to be of uncertain significance according to ACMG Guidelines, 2015 [PMID:25741868].

GeneDx
Classification: Uncertain significance. Last evaluated: 2019-10-01. Review status: criteria provided, single submitter. Criteria: GeneDx Variant Classification Process June 2021. Collection method: clinical testing. Allele origin: germline. Affected: yes.
Comment: In silico analysis, which includes protein predictors and evolutionary conservation, supports that this variant does not alter protein structure/function; Has not been previously published as pathogenic or benign to our knowledge

Natera, Inc.
Classification: Uncertain significance for Ataxia-telangiectasia. Last evaluated: 2020-04-01. Review status: no assertion criteria provided. Collection method: clinical testing. Allele origin: germline. Not counted in ClinVar's aggregate classification.

NM_000051.4(ATM):c.1775G>A (p.Ser592Asn)

Gene: ATM (ATM serine/threonine kinase; plus strand). Cytogenetic location: 11q22.3.
Variant type: single nucleotide variant.
Coding change: c.1775G>A on transcript NM_000051.4 (MANE Select); coding-DNA position 1775, G replaced by A.
Protein change: p.Ser592Asn; replaces serine 592 with asparagine.
Molecular consequence: missense variant.
Genome position (GRCh38, 1-based): chr11:108,252,004, G>A. VCF-style: chr11-108252004-G-A. GRCh37 (hg19) VCF-style: chr11-108122731-G-A.
Other names: c.1775G>A, p.Ser592Asn (NM_001351834.2); short protein forms S592N.
Identifiers: ClinVar variation 453381 (VCV000453381.28), dbSNP rs776911505, ClinGen allele CA6264865.
Genomic context (GRCh38, chr11:108,252,004, plus strand): 5'-TAAAGGAATCAATAATGAAATGGCTCTTATTCTATCAGTTAGAGGGTGACTTAGAAAATA[G>A]CACAGAAGTGCCTCCAATTCTTCACAGGTAATTTAAGTTCATTAGCATGCTGCTGTTTTT-3'
Protein context (NP_000042.3, residues 582-602): FYQLEGDLEN[Ser592Asn]TEVPPILHSN